The following is an entry in ClinVar:

NM_000282.4(PCCA):c.105+1G>A

Gene: PCCA (propionyl-CoA carboxylase subunit alpha; plus strand). Cytogenetic location: 13q32.3.
Variant type: single nucleotide variant.
Coding change: c.105+1G>A on transcript NM_000282.4 (MANE Select); the canonical splice donor site of the intron after coding-DNA position 105, G replaced by A.
Molecular consequence: splice donor variant.
Genome position (GRCh38, 1-based): chr13:100,089,226, G>A. VCF-style: chr13-100089226-G-A. GRCh37 (hg19) VCF-style: chr13-100741480-G-A.
Other names: c.105+1G>A (NM_001178004.2, NM_001352605.2, NM_001352606.2 and 4 more transcripts); c.-762+1G>A (NM_001352610.2, NM_001352611.2, NM_001352612.2).
Identifiers: ClinVar variation 218251 (VCV000218251.13), dbSNP rs879253804, ClinGen allele CA10575819.
Genomic context (GRCh38, chr13:100,089,226, plus strand): 5'-CGGCGTGGGCGGTGGCCGCCGCAGCAGCTGATGCTGAGCGCGGCGCTGCGGACCCTGAAG[G>A]TGAGGAGCAACGGGGCCTCGCGGGTCCGGGCTTCACTGGGCTTCTAGCCGTGCCGCCTCT-3'

ClinVar aggregate classification (germline): Pathogenic/Likely pathogenic. Review status: criteria provided, multiple submitters, no conflicts (2 of 4 stars). 3 submissions from 3 submitters: Pathogenic (2); Likely pathogenic (1). Last evaluated 2025-11-14.

Conditions:
Propionic acidemia (PROP). Also called: KETOTIC HYPERGLYCINEMIA; GLYCINEMIA, KETOTIC; HYPERGLYCINEMIA WITH KETOACIDOSIS AND LEUKOPENIA. Identifiers: Orphanet 35, MedGen C0268579, MONDO:0011628, OMIM 606054, HP:0003571.

Allele frequency attached by ClinVar (database versions not stated): gnomAD exomes below 0.00001; TOPMed below 0.00001.
gnomAD v4.1: 3 of 1,510,330 alleles (0.0002%); highest among the groups gnomAD compares: African/African-American, 0.0014%; no homozygotes.

Submissions (3):

Myriad Genetics, Inc.
Classification: Likely pathogenic for Propionic acidemia. Last evaluated: 2025-11-14. Review status: criteria provided, single submitter. Criteria: Myriad Autosomal Dominant, Autosomal Recessive and X-Linked Classification Criteria (2023). Collection method: clinical testing. Allele origin: unknown.
Comment: NM_000282.3(PCCA):c.105+1G>A is a variant in a canonical splice site classified as likely pathogenic in the context of PCCA-related propionic acidemia. c.105+1G>A has been observed in cases with relevant disease (PMID: 27227689, 35331292). Relevant functional assessments of this variant are not available in the literature. c.105+1G>A has been observed in referenced population frequency databases. In summary, NM_000282.3(PCCA):c.105+1G>A is a variant in a canonical splice site in a gene where loss of function is a known mechanism of disease, is predicted to disrupt protein function, and has been observed more frequently in cases with the relevant disease than in healthy populations. Please note: this variant was assessed in the context of healthy population screening.

Labcorp Genetics (formerly Invitae), Labcorp
Classification: Pathogenic for Propionic acidemia. Last evaluated: 2025-04-14. Review status: criteria provided, single submitter. Criteria: Invitae Variant Classification Sherloc (09022015). Collection method: clinical testing. Allele origin: germline.
Comment: This sequence change affects a donor splice site in intron 1 of the PCCA gene. It is expected to disrupt RNA splicing. Variants that disrupt the donor or acceptor splice site typically lead to a loss of protein function (PMID: 16199547), and loss-of-function variants in PCCA are known to be pathogenic (PMID: 15464417). The frequency data for this variant in the population databases is considered unreliable, as metrics indicate poor data quality at this position in the gnomAD database. Disruption of this splice site has been observed in individual(s) with propionic acidemia (PMID: 27227689, 35331292). ClinVar contains an entry for this variant (Variation ID: 218251). Algorithms developed to predict the effect of sequence changes on RNA splicing suggest that this variant may disrupt the consensus splice site. For these reasons, this variant has been classified as Pathogenic.

Institute of Medical Genetics and Genomics, Sir Ganga Ram Hospital
Classification: Pathogenic for Propionic Acidemia. Last evaluated: 2013-01-01. Review status: criteria provided, single submitter. Criteria: Gupta et al. (Genet Test Mol Biomarkers 2016). Collection method: research. Allele origin: germline. Affected: yes. Observed: 1 variant allele. Study: ORGANIC ACIDURIAS.
Comment: Splice site mutation

Literature cited by the submitters: PubMed 27227689 (cited by Myriad Genetics, Inc. and Labcorp Genetics (formerly Invitae), Labcorp); PubMed 35331292 (cited by Myriad Genetics, Inc. and Labcorp Genetics (formerly Invitae), Labcorp); PubMed 16199547 (cited by Labcorp Genetics (formerly Invitae), Labcorp); PubMed 15464417 (cited by Labcorp Genetics (formerly Invitae), Labcorp).